The following is an entry in ClinVar:

NM_001374353.1(GLI2):c.3616C>A (p.Gln1206Lys)

Gene: GLI2 (GLI family zinc finger 2; plus strand). Cytogenetic location: 2q14.2.
Variant type: single nucleotide variant.
Coding change: c.3616C>A on transcript NM_001374353.1 (MANE Select); coding-DNA position 3616, C replaced by A.
Protein change: p.Gln1206Lys; replaces glutamine 1206 with lysine.
Molecular consequence: missense variant.
Genome position (GRCh38, 1-based): chr2:120,989,581, C>A. VCF-style: chr2-120989581-C-A. GRCh37 (hg19) VCF-style: chr2-121747157-C-A.
Other names: c.3667C>A, p.Gln1223Lys (NM_001371271.1, NM_005270.5); c.3241C>A, p.Gln1081Lys (NM_001374354.1); short protein forms Q1081K, Q1206K, Q1223K.
Identifiers: ClinVar variation 4755704 (VCV004755704.1).
Genomic context (GRCh38, chr2:120,989,581, plus strand): 5'-CCACACCTGCAGCCCCGCAGCGGAGCCCCCTCCCAGGGCATCCCCAGGGTAAACTACATG[C>A]AGCAGCTGCGACAGCCAGTGGCAGGCAGCCAGTGTCCTGGCATGACTACCACTATGAGCC-3'
Protein context (NP_001361282.1, residues 1196-1216): SQGIPRVNYM[Gln1206Lys]QLRQPVAGSQ

ClinVar aggregate classification (germline): Uncertain significance (1 of 4 stars; one submission).

gnomAD v4.1: 6 of 1,613,318 alleles (0.00037%); highest among the groups gnomAD compares: Non-Finnish European, 0.00034%; 1 homozygote.

Submission:

GeneDx
Classification: Uncertain significance. Last evaluated: 2025-08-06. Review status: criteria provided, single submitter. Criteria: GeneDx Variant Classification Process June 2021. Collection method: clinical testing. Allele origin: germline. Affected: yes.
Comment: Not observed at significant frequency in large population cohorts (gnomAD); In silico analysis suggests that this missense variant does not alter protein structure/function; Has not been previously published as pathogenic or benign to our knowledge